The following is an entry in ClinVar:

NM_032575.3(GLIS2):c.477G>A (p.Ser159=)

Gene: GLIS2 (GLIS family zinc finger 2; plus strand). Cytogenetic location: 16p13.3.
Variant type: single nucleotide variant.
Coding change: c.477G>A on transcript NM_032575.3 (MANE Select); coding-DNA position 477, G replaced by A.
Protein change: p.Ser159=; no amino-acid change (serine 159 retained).
Molecular consequence: synonymous variant.
Genome position (GRCh38, 1-based): chr16:4,334,932, G>A. VCF-style: chr16-4334932-G-A. GRCh37 (hg19) VCF-style: chr16-4384933-G-A.
Other names: c.477G>A, p.Ser159= (NM_001318918.2).
Identifiers: ClinVar variation 697095 (VCV000697095.14), dbSNP rs148123444, ClinGen allele CA7873008.

ClinVar aggregate classification (germline): Benign/Likely benign. Review status: criteria provided, multiple submitters, no conflicts (2 of 4 stars). 3 submissions from 3 submitters: Benign (1); Likely benign (1). 1 of the submissions does not count toward it. Last evaluated 2025-06-18.

Conditions:
GLIS2-related disorder. Also called: GLIS2-related condition.
Nephronophthisis. Also called: Juvenile Nephronophthisis. Identifiers: Orphanet 655, MedGen C0687120, MONDO:0019005, HP:0000090.
Nephronophthisis 7 (NPHP7). Identifiers: Orphanet 655, MedGen C1969092, MONDO:0012680, OMIM 611498.

Allele frequency attached by ClinVar (database versions not stated): gnomAD exomes 0.00026; ExAC 0.00027; TOPMed 0.00080; gnomAD 0.00088 and 0.00096; ESP Exome Variant Server 0.00100; 1000 Genomes Project 0.00120; 1000 Genomes Project 30x 0.00125.
gnomAD v4.1: 255 of 1,612,954 alleles (0.016%); highest among the groups gnomAD compares: African/African-American, 0.28%; no homozygotes.

Submissions (3):

Labcorp Genetics (formerly Invitae), Labcorp
Classification: Benign for Nephronophthisis. Last evaluated: 2025-06-18. Review status: criteria provided, single submitter. Criteria: Invitae Variant Classification Sherloc (09022015). Collection method: clinical testing. Allele origin: germline.

Fulgent Genetics
Classification: Likely benign for Nephronophthisis 7. Last evaluated: 2021-10-23. Review status: criteria provided, single submitter. Criteria: ACMG Guidelines, 2015. Collection method: clinical testing. Allele origin: unknown.

PreventionGenetics, part of Exact Sciences
Classification: Likely benign for GLIS2-related condition. Last evaluated: 2019-04-04. Review status: no assertion criteria provided. Collection method: clinical testing. Allele origin: germline. Not counted in ClinVar's aggregate classification.
Comment: This variant is classified as likely benign based on ACMG/AMP sequence variant interpretation guidelines (Richards et al. 2015 PMID: 25741868, with internal and published modifications).